The following is an entry in ClinVar:

NM_207122.2(EXT2):c.82_143del (p.Thr28fs)

Gene: EXT2 (exostosin glycosyltransferase 2; plus strand). Cytogenetic location: 11p11.2.
Variant type: Deletion.
Coding change: c.82_143del on transcript NM_207122.2 (MANE Select); coding-DNA positions 82 to 143, 62 bases deleted.
Protein change: p.Thr28fs; shifts the reading frame from threonine 28.
Molecular consequence: frameshift variant.
Genome position (GRCh38, 1-based): chr11:44,107,794-44,107,855, 62 bases deleted. GRCh37 (hg19): chr11:44,129,344-44,129,405.
Other names: c.181_242del, p.Thr61fs (NM_000401.3); c.82_143del, p.Thr28fs (NM_001178083.3, NM_001389628.1, NM_001389630.1); short protein forms T28fs, T61fs.
Identifiers: ClinVar variation 2843642 (VCV002843642.3), dbSNP rs2539514504, ClinGen allele CA2739270392.

ClinVar aggregate classification (germline): Pathogenic (1 of 4 stars; one submission).

Conditions:
Exostoses, multiple, type 2 (EXT2). Also called: Hereditary Multiple Osteochondromatosis, Type II; EXOSTOSES, MULTIPLE, TYPE II. Identifiers: Orphanet 321, MedGen C1851413, MONDO:0007586, OMIM 133701.

Submission:

Labcorp Genetics (formerly Invitae), Labcorp
Classification: Pathogenic for Exostoses, multiple, type 2. Last evaluated: 2023-03-08. Review status: criteria provided, single submitter. Criteria: Invitae Variant Classification Sherloc (09022015). Collection method: clinical testing. Allele origin: germline.
Comment: This variant has not been reported in the literature in individuals affected with EXT2-related conditions. For these reasons, this variant has been classified as Pathogenic. This variant is not present in population databases (gnomAD no frequency). This sequence change creates a premature translational stop signal (p.Thr28Phefs*7) in the EXT2 gene. It is expected to result in an absent or disrupted protein product. Loss-of-function variants in EXT2 are known to be pathogenic (PMID: 10679937, 19810120).

Literature cited by the submitters: PubMed 10679937; PubMed 19810120.